The following is an entry in ClinVar:

NM_005744.5(ARIH1):c.258TGG[5] (p.Gly90_Pro91insGlyGly)

Gene: ARIH1 (ariadne RBR E3 ubiquitin protein ligase 1; plus strand). Cytogenetic location: 15q24.1.
Variant type: Microsatellite.
Coding change: c.258TGG[5] on transcript NM_005744.5 (MANE Select); five copies in a row of the 3-base unit TGG starting at c.258; the reference has three copies in a row; two copies, 6 bases duplicated.
Protein change: p.Gly90_Pro91insGlyGly.
Molecular consequence: inframe insertion.
Genome position (GRCh38, 1-based): chr15:72,474,900-72,474,905, TGGTGG duplicated; duplicating any 6 consecutive bases within chr15:72,474,895-72,474,905 gives the same sequence; the position shown is the placement nearest the transcript's 3' end. VCF-style (leftmost placement, unchanged base first): chr15-72474894-C-CGGTGGT. GRCh37 (hg19) VCF-style: chr15-72767235-C-CGGTGGT.
Identifiers: ClinVar variation 1939164 (VCV001939164.5), dbSNP rs767633154, ClinGen allele CA2186801433.

ClinVar aggregate classification (germline): Uncertain significance (1 of 4 stars; one submission).

Submission:

Labcorp Genetics (formerly Invitae), Labcorp
Classification: Uncertain significance. Last evaluated: 2022-06-27. Review status: criteria provided, single submitter. Criteria: Invitae Variant Classification Sherloc (09022015). Collection method: clinical testing. Allele origin: germline.
Comment: This variant, c.261_266dup, results in the insertion of 2 amino acid(s) of the ARIH1 protein (p.Gly89_Gly90dup), but otherwise preserves the integrity of the reading frame. This variant is not present in population databases (gnomAD no frequency). This variant has not been reported in the literature in individuals affected with ARIH1-related conditions. Experimental studies and prediction algorithms are not available or were not evaluated, and the functional significance of this variant is currently unknown. In summary, the available evidence is currently insufficient to determine the role of this variant in disease. Therefore, it has been classified as a Variant of Uncertain Significance.